The following is an entry in ClinVar:

NM_182914.3(SYNE2):c.20102C>T (p.Ala6701Val)

Gene: SYNE2 (spectrin repeat containing nuclear envelope protein 2; plus strand). Cytogenetic location: 14q23.2.
Variant type: single nucleotide variant.
Coding change: c.20102C>T on transcript NM_182914.3 (MANE Select); coding-DNA position 20102, C replaced by T.
Protein change: p.Ala6701Val; replaces alanine 6701 with valine.
Molecular consequence: missense variant.
Genome position (GRCh38, 1-based): chr14:64,221,616, C>T. VCF-style: chr14-64221616-C-T. GRCh37 (hg19) VCF-style: chr14-64688334-C-T.
Other names: c.20033C>T, p.Ala6678Val (NM_015180.6); c.668C>T, p.Ala223Val (NM_182910.2); c.1046C>T, p.Ala349Val (NM_182913.4); short protein forms A223V, A349V, A6678V, A6701V.
Identifiers: ClinVar variation 839095 (VCV000839095.12), dbSNP rs769553105, ClinGen allele CA7224721.

ClinVar aggregate classification (germline): Uncertain significance. Review status: criteria provided, multiple submitters, no conflicts (2 of 4 stars). 2 submissions from 2 submitters: Uncertain significance (2). Last evaluated 2019-11-19.

Conditions:
Emery-Dreifuss muscular dystrophy 5, autosomal dominant (EDMD5). Also called: EMERY-DREIFUSS MUSCULAR DYSTROPHY 5. Identifiers: Orphanet 261, MedGen C2751805, MONDO:0013072, OMIM 612999.

Allele frequency attached by ClinVar (database versions not stated): gnomAD below 0.00001 and 0.00003; gnomAD exomes 0.00002; TOPMed 0.00002; ExAC 0.00003.
gnomAD v4.1: 31 of 1,614,002 alleles (0.0019%); highest among the groups gnomAD compares: South Asian, 0.011%; no homozygotes.

Submissions (2):

Labcorp Genetics (formerly Invitae), Labcorp
Classification: Uncertain significance for Emery-Dreifuss muscular dystrophy 5, autosomal dominant. Last evaluated: 2019-11-19. Review status: criteria provided, single submitter. Criteria: Invitae Variant Classification Sherloc (09022015). Collection method: clinical testing. Allele origin: germline.
Comment: This sequence change replaces alanine with valine at codon 6701 of the SYNE2 protein (p.Ala6701Val). The alanine residue is moderately conserved and there is a small physicochemical difference between alanine and valine. This variant is present in population databases (rs769553105, ExAC 0.02%). This variant has not been reported in the literature in individuals with SYNE2-related conditions. Algorithms developed to predict the effect of missense changes on protein structure and function are either unavailable or do not agree on the potential impact of this missense change (SIFT: "Deleterious"; PolyPhen-2: "Probably Damaging"; Align-GVGD: "Class C0"). Algorithms developed to predict the effect of sequence changes on RNA splicing suggest that this variant may create or strengthen a splice site, but this prediction has not been confirmed by published transcriptional studies. In summary, the available evidence is currently insufficient to determine the role of this variant in disease. Therefore, it has been classified as a Variant of Uncertain Significance.

Revvity Omics, Revvity
Classification: Uncertain significance for Emery-Dreifuss muscular dystrophy 5, autosomal dominant. Last evaluated: 2019-07-18. Review status: criteria provided, single submitter. Criteria: ACMG Guidelines, 2015. Collection method: clinical testing. Allele origin: germline.